The following is an entry in ClinVar:

ClinVar aggregate classification (germline): Conflicting classifications of pathogenicity. Review status: criteria provided, conflicting classifications (1 of 4 stars). 2 submissions from 2 submitters: Uncertain significance (1); Likely benign (1). Last evaluated 2025-08-21.

Allele frequency attached by ClinVar (database versions not stated): gnomAD 0.00001; TOPMed 0.00001; gnomAD exomes below 0.00001.
gnomAD v4.1: 2 of 1,614,082 alleles (0.00012%); highest among the groups gnomAD compares: Admixed American, 0.0017%; no homozygotes.

Submissions (2):

Labcorp Genetics (formerly Invitae), Labcorp
Classification: Uncertain significance. Last evaluated: 2025-08-21. Review status: criteria provided, single submitter. Criteria: Invitae Variant Classification Sherloc (09022015). Collection method: clinical testing. Allele origin: germline.
Comment: This sequence change replaces lysine, which is basic and polar, with arginine, which is basic and polar, at codon 334 of the APOL1 protein (p.Lys334Arg). This variant is present in population databases (no rsID available, gnomAD 0.003%). This variant has not been reported in the literature in individuals affected with APOL1-related conditions. ClinVar contains an entry for this variant (Variation ID: 1362570). An algorithm developed to predict the effect of missense changes on protein structure and function outputs the following: PolyPhen-2: "Benign". The arginine amino acid residue is found in multiple mammalian species, which suggests that this missense change does not adversely affect protein function. In summary, the available evidence is currently insufficient to determine the role of this variant in disease. Therefore, it has been classified as a Variant of Uncertain Significance.

Ambry Genetics
Classification: Likely benign. Last evaluated: 2021-07-14. Review status: criteria provided, single submitter. Criteria: Ambry Variant Classification Scheme 2023. Collection method: clinical testing. Allele origin: germline.

NM_003661.4(APOL1):c.1001A>G (p.Lys334Arg)

Gene: APOL1 (apolipoprotein L1; plus strand). Cytogenetic location: 22q12.3.
Variant type: single nucleotide variant.
Coding change: c.1001A>G on transcript NM_003661.4 (MANE Select); coding-DNA position 1001, A replaced by G.
Protein change: p.Lys334Arg; replaces lysine 334 with arginine.
Molecular consequence: missense variant.
Genome position (GRCh38, 1-based): chr22:36,265,837, A>G. VCF-style: chr22-36265837-A-G. GRCh37 (hg19) VCF-style: chr22-36661883-A-G.
Other names: c.1001A>G, p.Lys334Arg (NM_001136540.2); c.947A>G, p.Lys316Arg (NM_001136541.2, NM_001362927.2); c.1049A>G, p.Lys350Arg (NM_145343.3); c.1001A>G (NM_003661.3); short protein forms K334R, K350R, K316R.
Identifiers: ClinVar variation 1362570 (VCV001362570.7), dbSNP rs1449418628, ClinGen allele CA411368165.
Genomic context (GRCh38, chr22:36,265,837, plus strand): 5'-GCGGTGAACAGGTGGAGAGGGTTAATGAACCCAGCATCCTGGAAATGAGCAGAGGAGTCA[A>G]GCTCACGGATGTGGCCCCTGTAAGCTTCTTTCTTGTGCTGGATGTAGTCTACCTCGTGTA-3'
Protein context (NP_003652.2, residues 324-344): PSILEMSRGV[Lys334Arg]LTDVAPVSFF